The following is an entry in ClinVar:

ClinVar aggregate classification (germline): Uncertain significance (1 of 4 stars; one submission).

Conditions:
Age related macular degeneration 4. Identifiers: MedGen C1853147, MONDO:0012540, OMIM 610698.

Submission:

Genomenon, Inc
Classification: Uncertain significance for Age related macular degeneration 4. Last evaluated: 2026-09-17. Review status: criteria provided, single submitter. Criteria: Genomenon Sequence Variant Interpretation Standards - Updated. Collection method: curation. Allele origin: germline. Affected: yes.
Comment: CFH p.Ser1065Arg (c.3193A>C) is a missense variant that changes the amino acid at codon 1065 from serine to arginine. This variant has been observed in at least one proband affected with age-related macular degeneration (PMID: 29888403). It is absent or not present at a significant frequency in gnomAD. In silico models predict that this variant is not damaging. In conclusion, we classify CFH p.Ser1065Arg (c.3193A>C) as a variant of uncertain significance.

Literature cited by the submitters: PubMed 29888403.

NM_000186.4(CFH):c.3193A>C (p.Ser1065Arg)

Gene: CFH (complement factor H; plus strand). Cytogenetic location: 1q31.3.
Variant type: single nucleotide variant.
Coding change: c.3193A>C on transcript NM_000186.4 (MANE Select); coding-DNA position 3193, A replaced by C.
Protein change: p.Ser1065Arg; replaces serine 1065 with arginine.
Molecular consequence: missense variant.
Genome position (GRCh38, 1-based): chr1:196,743,511, A>C. VCF-style: chr1-196743511-A-C. GRCh37 (hg19) VCF-style: chr1-196712641-A-C.
Other names: short protein forms S1065R.
Identifiers: ClinVar variation 4291542 (VCV004291542.2).